The following is an entry in ClinVar:

ClinVar aggregate classification (germline): Uncertain significance (1 of 4 stars; one submission).

Conditions:
Cardiovascular phenotype. Identifiers: MedGen CN230736.

gnomAD v4.1: 1 of 1,614,092 alleles (0.000062%); highest among the groups gnomAD compares: Non-Finnish European, 0.000085%; no homozygotes.

Submission:

Ambry Genetics
Classification: Uncertain significance for Cardiovascular phenotype. Last evaluated: 2025-01-14. Review status: criteria provided, single submitter. Criteria: Ambry Variant Classification Scheme 2023. Collection method: clinical testing. Allele origin: germline.
Comment: The p.R334P variant (also known as c.1001G>C), located in coding exon 7 of the SPRED1 gene, results from a G to C substitution at nucleotide position 1001. The arginine at codon 334 is replaced by proline, an amino acid with dissimilar properties. This amino acid position is conserved. In addition, this alteration is predicted to be deleterious by in silico analysis. Based on the available evidence, the clinical significance of this variant remains unclear.

NM_152594.3(SPRED1):c.1001G>C (p.Arg334Pro)

Gene: SPRED1 (sprouty related EVH1 domain containing 1; plus strand). Cytogenetic location: 15q14.
Variant type: single nucleotide variant.
Coding change: c.1001G>C on transcript NM_152594.3 (MANE Select); coding-DNA position 1001, G replaced by C.
Protein change: p.Arg334Pro; replaces arginine 334 with proline.
Molecular consequence: missense variant.
Genome position (GRCh38, 1-based): chr15:38,351,330, G>C. VCF-style: chr15-38351330-G-C. GRCh37 (hg19) VCF-style: chr15-38643531-G-C.
Other names: short protein forms R334P.
Identifiers: ClinVar variation 3800905 (VCV003800905.1).
Genomic context (GRCh38, chr15:38,351,330, plus strand): 5'-AGCCTTCCTCATTAAAAATTAAGAAGTCAAAACGAAGAAAAGAGGATGGTGAACGTTCTC[G>C]CTGCGTATACTGCCAGGAAAGGTTTAATCATGAAGAAAATGTTAGGGGAAAATGTCAGGA-3'
Protein context (NP_689807.1, residues 324-344): KRRKEDGERS[Arg334Pro]CVYCQERFNH